The following is an entry in ClinVar:

NM_003126.4(SPTA1):c.5834-18A>G

Gene: SPTA1 (spectrin alpha, erythrocytic 1; minus strand). Cytogenetic location: 1q23.1.
Variant type: single nucleotide variant.
Coding change: c.5834-18A>G on transcript NM_003126.4 (MANE Select); 18 bases into the intron before coding-DNA position 5834, A replaced by G.
Molecular consequence: intron variant.
Genome position (GRCh38, 1-based): chr1:158,626,240, T>C on the plus strand (A>G on the coding strand, the complement: SPTA1 is on the minus strand). VCF-style: chr1-158626240-T-C. GRCh37 (hg19) VCF-style: chr1-158596030-T-C.
Identifiers: ClinVar variation 2709748 (VCV002709748.4), dbSNP rs1397822810, ClinGen allele CA526548119.

ClinVar aggregate classification (germline): Conflicting classifications of pathogenicity. Review status: criteria provided, conflicting classifications (1 of 4 stars). 2 submissions from 2 submitters: Uncertain significance (1); Likely benign (1). Last evaluated 2024-01-16.

Allele frequency attached by ClinVar (database versions not stated): gnomAD exomes below 0.00001.
gnomAD v4.1: 1 of 1,612,030 alleles (0.000062%); highest among the groups gnomAD compares: South Asian, 0.0011%; no homozygotes.

Submissions (2):

Labcorp Genetics (formerly Invitae), Labcorp
Classification: Uncertain significance. Last evaluated: 2024-01-16. Review status: criteria provided, single submitter. Criteria: Invitae Variant Classification Sherloc (09022015). Collection method: clinical testing. Allele origin: germline.
Comment: This sequence change falls in intron 41 of the SPTA1 gene. It does not directly change the encoded amino acid sequence of the SPTA1 protein. This variant is present in population databases (no rsID available, gnomAD 0.003%). This variant has not been reported in the literature in individuals affected with SPTA1-related conditions. Algorithms developed to predict the effect of sequence changes on RNA splicing suggest that this variant may disrupt the consensus splice site. In summary, the available evidence is currently insufficient to determine the role of this variant in disease. Therefore, it has been classified as a Variant of Uncertain Significance.

ARUP Laboratories, Molecular Genetics and Genomics, ARUP Laboratories
Classification: Likely benign. Last evaluated: 2023-03-08. Review status: criteria provided, single submitter. Criteria: ARUP Molecular Germline Variant Investigation Process 2024. Collection method: clinical testing. Allele origin: germline.